The following is an entry in ClinVar:

NM_000051.4(ATM):c.4668T>A (p.Tyr1556Ter)

Gene: ATM (ATM serine/threonine kinase; plus strand). Cytogenetic location: 11q22.3.
Variant type: single nucleotide variant.
Coding change: c.4668T>A on transcript NM_000051.4 (MANE Select); coding-DNA position 4668, T replaced by A.
Protein change: p.Tyr1556Ter; replaces tyrosine 1556 with a stop codon.
Molecular consequence: nonsense.
Genome position (GRCh38, 1-based): chr11:108,293,369, T>A. VCF-style: chr11-108293369-T-A. GRCh37 (hg19) VCF-style: chr11-108164096-T-A.
Other names: c.4668T>A, p.Tyr1556Ter (NM_001351834.2); short protein forms Y1556*.
Identifiers: ClinVar variation 1069824 (VCV001069824.13), dbSNP rs766438805, ClinGen allele CA382534689.

ClinVar aggregate classification (germline): Pathogenic/Likely pathogenic. Review status: criteria provided, multiple submitters, no conflicts (2 of 4 stars). 5 submissions from 5 submitters: Pathogenic (4); Likely pathogenic (1). Last evaluated 2024-08-29.

Conditions:
Familial cancer of breast. Also called: Hereditary breast cancer; BREAST CANCER, FAMILIAL; hereditary breast carcinoma. Identifiers: Orphanet 227535, MedGen C0346153, MONDO:0016419, OMIM 114480. Disease mechanism: loss of function.
Ataxia-telangiectasia syndrome (AT). Also called: Cerebello-oculocutaneous telangiectasia; Immunodeficiency with ataxia telangiectasia; Ataxia-telangiectasia, complementation group E; LOUIS-BAR SYNDROME; Ataxia-telangiectasia, complementation group D; AT, COMPLEMENTATION GROUP C. Identifiers: Orphanet 100, MedGen C0004135, MONDO:0008840, OMIM 208900.
ATM-related disorder. Also called: ATM-related disorders; ATM-related condition.
Hereditary cancer-predisposing syndrome. Also called: Hereditary Cancer Syndrome; Neoplastic Syndromes, Hereditary; Tumor predisposition; Hereditary neoplastic syndrome. Identifiers: Orphanet 140162, MedGen C0027672, MeSH D009386, MONDO:0015356.

Submissions (5):

Labcorp Genetics (formerly Invitae), Labcorp
Classification: Pathogenic for Ataxia-telangiectasia syndrome. Last evaluated: 2024-08-29. Review status: criteria provided, single submitter. Criteria: Invitae Variant Classification Sherloc (09022015). Collection method: clinical testing. Allele origin: germline.
Comment: This sequence change creates a premature translational stop signal (p.Tyr1556*) in the ATM gene. It is expected to result in an absent or disrupted protein product. Loss-of-function variants in ATM are known to be pathogenic (PMID: 23807571, 25614872). This variant is not present in population databases (gnomAD no frequency). This premature translational stop signal has been observed in individual(s) with breast and stomach cancers (PMID: 32068069). ClinVar contains an entry for this variant (Variation ID: 1069824). RNA analysis performed to evaluate the impact of this premature translational stop signal on mRNA splicing indicates it does not significantly alter splicing (internal data). For these reasons, this variant has been classified as Pathogenic.

Myriad Genetics, Inc.
Classification: Pathogenic for Familial cancer of breast. Last evaluated: 2024-01-24. Review status: criteria provided, single submitter. Criteria: Myriad Autosomal Dominant, Autosomal Recessive and X-Linked Classification Criteria (2023). Collection method: clinical testing. Allele origin: unknown.
Comment: This variant is considered pathogenic. This variant creates a termination codon and is predicted to result in premature protein truncation.

Blueprint Genetics
Classification: Likely pathogenic for ATM-related disorders. Last evaluated: 2022-05-03. Review status: criteria provided, single submitter. Criteria: ACMG Guidelines, 2015. Collection method: clinical testing. Allele origin: germline. Affected: yes. Observed: 1 variant allele.

Ambry Genetics
Classification: Pathogenic for Hereditary cancer-predisposing syndrome. Last evaluated: 2021-12-30. Review status: criteria provided, single submitter. Criteria: Ambry Variant Classification Scheme 2023. Collection method: clinical testing. Allele origin: germline.
Comment: The p.Y1556* pathogenic mutation (also known as c.4668T>A), located in coding exon 30 of the ATM gene, results from a T to A substitution at nucleotide position 4668. This changes the amino acid from a tyrosine to a stop codon within coding exon 30. This alteration was detected in a cohort of 1338 Chinese high-risk breast and/or ovarian cancer patients (Kwong A et al. J Mol Diagn, 2020 04;22:544-554). This variant is considered to be rare based on population cohorts in the Genome Aggregation Database (gnomAD). In addition to the clinical data presented in the literature, this alteration is expected to result in loss of function by premature protein truncation or nonsense-mediated mRNA decay. As such, this alteration is interpreted as a disease-causing mutation.

Revvity Omics, Revvity
Classification: Pathogenic for Ataxia-telangiectasia syndrome. Last evaluated: 2019-04-01. Review status: criteria provided, single submitter. Criteria: ACMG Guidelines, 2015. Collection method: clinical testing. Allele origin: germline.

Literature cited by the submitters: PubMed 23807571 (cited by Labcorp Genetics (formerly Invitae), Labcorp); PubMed 25614872 (cited by Labcorp Genetics (formerly Invitae), Labcorp); PubMed 32068069 (cited by Labcorp Genetics (formerly Invitae), Labcorp and Ambry Genetics).